The following is an entry in ClinVar:

NM_000890.5(KCNJ5):c.455A>G (p.Tyr152Cys)

Gene: KCNJ5 (potassium inwardly rectifying channel subfamily J member 5; plus strand). Cytogenetic location: 11q24.3.
Variant type: single nucleotide variant.
Coding change: c.455A>G on transcript NM_000890.5 (MANE Select); coding-DNA position 455, A replaced by G.
Protein change: p.Tyr152Cys; replaces tyrosine 152 with cysteine.
Molecular consequence: missense variant.
Genome position (GRCh38, 1-based): chr11:128,911,728, A>G. VCF-style: chr11-128911728-A-G. GRCh37 (hg19) VCF-style: chr11-128781623-A-G.
Other names: c.455A>G, p.Tyr152Cys (NM_001354169.2); short protein forms Y152C.
Identifiers: ClinVar variation 877245 (VCV000877245.7), dbSNP rs1944503932, ClinGen allele CA383248239.
Genomic context (GRCh38, chr11:128,911,728, plus strand): 5'-ACCTCAGTGGCTTCGTGTCCGCTTTCCTGTTCTCCATTGAGACCGAAACAACCATTGGGT[A>G]TGGCTTCCGAGTCATCACAGAGAAGTGTCCAGAGGGGATTATACTCCTCTTGGTCCAGGC-3'
Protein context (NP_000881.3, residues 142-162): FSIETETTIG[Tyr152Cys]GFRVITEKCP

ClinVar aggregate classification (germline): Uncertain significance. Review status: criteria provided, multiple submitters, no conflicts (2 of 4 stars). 3 submissions from 3 submitters: Uncertain significance (3). Last evaluated 2026-04-14.

Conditions:
Familial hyperaldosteronism type III. Also called: FH III; Familial hyperaldosteronism type 3. Identifiers: Orphanet 251274, MedGen C3838758, MONDO:0013359, OMIM 613677.
Long QT syndrome (LQTS). Identifiers: MedGen C0023976, MeSH D008133, MONDO:0002442. Disease mechanism: loss of function. Inheritance: Various modes of inheritance.

Submissions (3):

GeneDx
Classification: Uncertain significance. Last evaluated: 2026-04-14. Review status: criteria provided, single submitter. Criteria: GeneDx Variant Classification Process June 2021. Collection method: clinical testing. Allele origin: germline.
Comment: Published functional studies demonstrate damaging effects through higher Na(+) permeability, cell membrane depolarization and disturbed Ca(2+) homeostasis (PMID: 34957562, 24037882); Reported in a patient with primary aldosteronism (Monticone et al., 2013); In silico analysis supports that this missense variant has a deleterious effect on protein structure/function; Not observed in large population cohorts (gnomAD); This variant is associated with the following publications: (PMID: 34957562, 24037882)

Labcorp Genetics (formerly Invitae), Labcorp
Classification: Uncertain significance for Long QT syndrome. Last evaluated: 2026-01-11. Review status: criteria provided, single submitter. Criteria: Invitae Variant Classification Sherloc (09022015). Collection method: clinical testing. Allele origin: germline.
Comment: This sequence change replaces tyrosine, which is neutral and polar, with cysteine, which is neutral and slightly polar, at codon 152 of the KCNJ5 protein (p.Tyr152Cys). This variant is not present in population databases (gnomAD no frequency). This missense change has been observed in individual(s) with aldosteronism (PMID: 24037882). ClinVar contains an entry for this variant (Variation ID: 877245). Invitae Evidence Modeling of protein sequence and biophysical properties (such as structural, functional, and spatial information, amino acid conservation, physicochemical variation, residue mobility, and thermodynamic stability) indicates that this missense variant is expected to disrupt KCNJ5 protein function with a positive predictive value of 80%. Experimental studies have shown that this missense change affects KCNJ5 function (PMID: 24037882, 34957562). In summary, the available evidence is currently insufficient to determine the role of this variant in disease. Therefore, it has been classified as a Variant of Uncertain Significance.

Illumina Laboratory Services, Illumina
Classification: Uncertain significance for Familial hyperaldosteronism type III. Last evaluated: 2017-04-27. Review status: criteria provided, single submitter. Criteria: ICSL Variant Classification Criteria 13 December 2019. Collection method: clinical testing. Allele origin: germline.
Comment: This variant was observed as part of a predisposition screen in an ostensibly healthy population. A literature search was performed for the gene, cDNA change, and amino acid change (where applicable). Publications were found based on this search. However, the evidence from the literature, in combination with allele frequency data from public databases where available, was not sufficient to rule this variant in or out of causing disease. Therefore, this variant is classified as a variant of unknown significance.

Literature cited by the submitters: PubMed 24037882 (cited by Labcorp Genetics (formerly Invitae), Labcorp and Illumina Laboratory Services, Illumina); PubMed 34957562 (cited by Labcorp Genetics (formerly Invitae), Labcorp); PubMed 24819081 (cited by Illumina Laboratory Services, Illumina); PubMed 25057880 (cited by Illumina Laboratory Services, Illumina).